The following is an entry in ClinVar:

ClinVar aggregate classification (germline): Uncertain significance (1 of 4 stars; one submission).

Allele frequency attached by ClinVar (database versions not stated): gnomAD exomes below 0.00001.
gnomAD v4.1: 1 of 1,542,316 alleles (0.000065%); highest among the groups gnomAD compares: Non-Finnish European, 0.000088%; no homozygotes.

Submission:

GeneDx
Classification: Uncertain significance. Last evaluated: 2025-09-04. Review status: criteria provided, single submitter. Criteria: GeneDx Variant Classification Process June 2021. Collection method: clinical testing. Allele origin: germline. Affected: yes.
Comment: Not observed at significant frequency in large population cohorts (gnomAD); In silico analysis suggests that this missense variant does not alter protein structure/function; Has not been previously published as pathogenic or benign to our knowledge

NM_001127222.2(CACNA1A):c.3086G>A (p.Arg1029Lys)

Gene: CACNA1A (calcium voltage-gated channel subunit alpha1 A; minus strand). Cytogenetic location: 19p13.13.
Variant type: single nucleotide variant.
Coding change: c.3086G>A on transcript NM_001127222.2 (MANE Select); coding-DNA position 3086, G replaced by A.
Protein change: p.Arg1029Lys; replaces arginine 1029 with lysine.
Molecular consequence: missense variant.
Genome position (GRCh38, 1-based): chr19:13,298,547, C>T on the plus strand (G>A on the coding strand, the complement: CACNA1A is on the minus strand). VCF-style: chr19-13298547-C-T. GRCh37 (hg19) VCF-style: chr19-13409361-C-T.
Other names: c.3098G>A, p.Arg1033Lys (NM_000068.4, NM_023035.3); c.3089G>A, p.Arg1030Lys (NM_001127221.2, NM_001174080.2); short protein forms R1029K, R1030K, R1033K.
Identifiers: ClinVar variation 2429552 (VCV002429552.2), dbSNP rs2512904273, ClinGen allele CA404342102.